The following is an entry in ClinVar:

NM_000059.4(BRCA2):c.8777dup (p.Leu2926fs)

Gene: BRCA2 (BRCA2 DNA repair associated; plus strand). Cytogenetic location: 13q13.1.
Variant type: Duplication.
Coding change: c.8777dup on transcript NM_000059.4 (MANE Select); coding-DNA position 8777, one base duplicated (T; older notation c.8777dupT).
Protein change: p.Leu2926fs; shifts the reading frame from leucine 2926.
Molecular consequence: frameshift variant.
Genome position (GRCh38, 1-based): chr13:32,379,339, T duplicated; the last of 2 consecutive T bases (chr13:32,379,338-32,379,339); duplicating either gives the same sequence. VCF-style (leftmost placement, unchanged base first): chr13-32379337-G-GT. GRCh37 (hg19) VCF-style: chr13-32953474-G-GT.
Other names: short protein forms L2926fs.
Identifiers: ClinVar variation 1455999 (VCV001455999.6), dbSNP rs2137619100, ClinGen allele CA2499222349.

ClinVar aggregate classification (germline): Pathogenic (1 of 4 stars; one submission).

Conditions:
Hereditary breast ovarian cancer syndrome. Also called: Hereditary breast and ovarian cancer; Hereditary breast and ovarian cancer syndrome (HBOC); Breast and ovarian cancer; Hereditary breast and ovarian cancer syndrome; Hereditary breast and/or ovarian cancer syndrome; BRCA1- and BRCA2-Associated Hereditary Breast and Ovarian Cancer. Identifiers: Orphanet 145, MedGen C0677776, MeSH D061325, MONDO:0003582. Disease mechanism: loss of function.

Submission:

Labcorp Genetics (formerly Invitae), Labcorp
Classification: Pathogenic for Hereditary breast ovarian cancer syndrome. Last evaluated: 2021-06-29. Review status: criteria provided, single submitter. Criteria: Invitae Variant Classification Sherloc (09022015). Collection method: clinical testing. Allele origin: germline.
Comment: This sequence change creates a premature translational stop signal (p.Leu2926Phefs*6) in the BRCA2 gene. It is expected to result in an absent or disrupted protein product. Loss-of-function variants in BRCA2 are known to be pathogenic (PMID: 20104584). This variant is not present in population databases (ExAC no frequency). This premature translational stop signal has been observed in individual(s) with breast and/or ovarian cancer (PMID: 27882536). For these reasons, this variant has been classified as Pathogenic.

Literature cited by the submitters: PubMed 20104584; PubMed 27882536.